The following is an entry in ClinVar:

ClinVar aggregate classification (germline): Uncertain significance. Review status: criteria provided, single submitter (1 of 4 stars). 3 submissions from 3 submitters: Uncertain significance (1). 2 of the submissions do not count toward it. Last evaluated 2018-11-08.

Conditions:
Cutis laxa, autosomal recessive, type 1d. Identifiers: MedGen C5935602, MONDO:0958335, OMIM 620780.
Recessive Marfanoid Syndrome with Severe Herniation.

Submissions (3):

Labcorp Genetics (formerly Invitae), Labcorp
Classification: Uncertain significance. Last evaluated: 2018-11-08. Review status: criteria provided, single submitter. Criteria: Invitae Variant Classification Sherloc (09022015). Collection method: clinical testing. Allele origin: germline.
Comment: In summary, the available evidence is currently insufficient to determine the role of this variant in disease. Therefore, it has been classified as a Variant of Uncertain Significance. Algorithms developed to predict the effect of missense changes on protein structure and function (SIFT, PolyPhen-2, Align-GVGD) all suggest that this variant is likely to be disruptive, but these predictions have not been confirmed by published functional studies and their clinical significance is uncertain. This variant has been observed to segregate with EFEMP1-related disease in a family (Invitae). This variant is not present in population databases (ExAC no frequency). This sequence change replaces cysteine with arginine at codon 55 of the EFEMP1 protein (p.Cys55Arg). The cysteine residue is highly conserved and there is a large physicochemical difference between cysteine and arginine.

OMIM
Classification: Pathogenic for CUTIS LAXA, AUTOSOMAL RECESSIVE, TYPE ID. Last evaluated: 2024-04-05. Review status: no assertion criteria provided. Collection method: literature only. Allele origin: germline. Not counted in ClinVar's aggregate classification.

Centre for Arab Genomic Studies, Sheikh Hamdan Award for Medical Sciences
Classification: Likely pathogenic for Recessive Marfanoid Syndrome with Severe Herniation. Last evaluated: 2019-07-08. Review status: no assertion criteria provided. Collection method: clinical testing. Allele origin: inherited. Inheritance: Autosomal recessive inheritance. Affected: yes. Observed: 4 variant alleles, 2 heterozygotes, 2 homozygotes. Clinical features observed: inguinal hernia, left diaphragmatic hernia, crural hernia, volvulus, cystocele, bladder diverticulum, marfanoid habitus, advanced bone age, recurrent abdominal hernia, posterolateral diaphragmatic hernia, distended abdomen, diarrhea, and 28 more. Not counted in ClinVar's aggregate classification.

Literature cited by the submitters: PubMed 22489068 (cited by OMIM); PubMed 32006683 (cited by OMIM and Centre for Arab Genomic Studies, Sheikh Hamdan Award for Medical Sciences); PubMed 35998264 (cited by OMIM).

NM_001039348.3(EFEMP1):c.163T>C (p.Cys55Arg)

Gene: EFEMP1 (EGF-like fibulin extracellular matrix protein 1; minus strand). Cytogenetic location: 2p16.1.
Variant type: single nucleotide variant.
Coding change: c.163T>C on transcript NM_001039348.3 (MANE Select); coding-DNA position 163, T replaced by C.
Protein change: p.Cys55Arg; replaces cysteine 55 with arginine.
Molecular consequence: missense variant.
Genome position (GRCh38, 1-based): chr2:55,918,019, A>G on the plus strand (T>C on the coding strand, the complement: EFEMP1 is on the minus strand). VCF-style: chr2-55918019-A-G. GRCh37 (hg19) VCF-style: chr2-56145154-A-G.
Other names: c.163T>C, p.Cys55Arg (NM_001039349.3); short protein forms C55R.
Identifiers: ClinVar variation 655652 (VCV000655652.8), dbSNP rs1572851186, ClinGen allele CA347027058.
Genomic context (GRCh38, chr2:55,918,019, plus strand): 5'-CTGTTTTCGGAAGGCAGAGGTATCCTCCATAGTGGTTGACACACTTCATTCCACCTTTAC[A>G]AGCGTCTGGGACAATGTCACATTCATCAATATCTGTGGTCAGTAATAAAATAAGTCAGGA-3'
Protein context (NP_001034437.1, residues 45-65): IDECDIVPDA[Cys55Arg]KGGMKCVNHY